The following is an entry in ClinVar:

ClinVar aggregate classification (germline): Pathogenic. Review status: criteria provided, multiple submitters, no conflicts (2 of 4 stars). 3 submissions from 3 submitters: Pathogenic (2). 1 of the submissions does not count toward it. Last evaluated 2023-12-27.

Conditions:
Palmoplantar keratoderma i, striate, focal, or diffuse. Also called: Keratosis Palmoplantaris Striata I, AD; STRIATE PALMOPLANTAR KERATODERMA I; KERATOSIS PALMOPLANTARIS STRIATA I; KERATODERMA, PALMOPLANTAR, STRIATE FORM I; PALMOPLANTAR KERATODERMA I, STRIATE OR DIFFUSE; PALMOPLANTAR KERATODERMA I, FOCAL. Identifiers: Orphanet 369999, Orphanet 370002, MedGen C2931122, MONDO:0007859, OMIM 148700.

Submissions (3):

Labcorp Genetics (formerly Invitae), Labcorp
Classification: Pathogenic. Last evaluated: 2023-12-27. Review status: criteria provided, single submitter. Criteria: Invitae Variant Classification Sherloc (09022015). Collection method: clinical testing. Allele origin: germline.
Comment: This sequence change creates a premature translational stop signal (p.Arg242*) in the DSG1 gene. It is expected to result in an absent or disrupted protein product. Loss-of-function variants in DSG1 are known to be pathogenic (PMID: 19018793, 23974871, 27534273, 27632246, 29604126). This variant is not present in population databases (gnomAD no frequency). This premature translational stop signal has been observed in individual(s) with ichthyosis (PMID: 31130284). ClinVar contains an entry for this variant (Variation ID: 280563). For these reasons, this variant has been classified as Pathogenic.

GeneDx
Classification: Pathogenic. Last evaluated: 2017-02-28. Review status: criteria provided, single submitter. Criteria: GeneDx Variant Classification (06012015). Collection method: clinical testing. Allele origin: germline. Affected: yes.
Comment: To our knowledge, the R242X variant in the DSG1 gene has not been reported previously as a pathogenic variant nor as a benign variant. This variant is predicted to cause loss of normal protein function either through protein truncation or nonsense-mediated mRNA decay. Additionally, the R242X variant is not observed in large population cohorts (Lek et al., 2016; 1000 Genomes Consortium et al., 2015; Exome Variant Server). We interpret R242X as a pathogenic variant.

Clinical Laboratory Sciences Program (CLSP), King Saud bin Abdulaziz University for Health Sciences (KSAU-HS)
Classification: Pathogenic for Palmoplantar keratoderma i, striate, focal, or diffuse. Last evaluated: 2023-04-01. Review status: no assertion criteria provided. Collection method: clinical testing. Allele origin: germline. Affected: yes. Not counted in ClinVar's aggregate classification.

Literature cited by the submitters: PubMed 19018793 (cited by Labcorp Genetics (formerly Invitae), Labcorp); PubMed 23974871 (cited by Labcorp Genetics (formerly Invitae), Labcorp); PubMed 27534273 (cited by Labcorp Genetics (formerly Invitae), Labcorp); PubMed 27632246 (cited by Labcorp Genetics (formerly Invitae), Labcorp); PubMed 29604126 (cited by Labcorp Genetics (formerly Invitae), Labcorp); PubMed 31130284 (cited by Labcorp Genetics (formerly Invitae), Labcorp).

NM_001942.4(DSG1):c.724C>T (p.Arg242Ter)

Gene: DSG1 (desmoglein 1; plus strand). Cytogenetic location: 18q12.1.
Variant type: single nucleotide variant.
Coding change: c.724C>T on transcript NM_001942.4 (MANE Select); coding-DNA position 724, C replaced by T.
Protein change: p.Arg242Ter; replaces arginine 242 with a stop codon.
Molecular consequence: nonsense.
Genome position (GRCh38, 1-based): chr18:31,333,628, C>T. VCF-style: chr18-31333628-C-T. GRCh37 (hg19) VCF-style: chr18-28913591-C-T.
Other names: c.724C>T (NM_001942.3); short protein forms R242*.
Identifiers: ClinVar variation 280563 (VCV000280563.21), dbSNP rs568609861, ClinGen allele CA10603336.